The following is an entry in ClinVar:

ClinVar aggregate classification (germline): Uncertain significance (1 of 4 stars; one submission).

Conditions:
PGM3-related disorder. Also called: PGM3-related condition.

Submission:

PreventionGenetics, part of Exact Sciences
Classification: Uncertain significance for PGM3-related condition. Last evaluated: 2026-02-22. Review status: criteria provided, single submitter. Criteria: ACMG Guidelines, 2015. Collection method: clinical testing. Allele origin: germline.
Comment: The PGM3 c.547_548delinsAT variant is predicted to result in an in-frame deletion and insertion. To our knowledge, this variant has not been reported in the literature or in a large population database (gnomAD), indicating this variant is rare. At this time, the clinical significance of this variant is uncertain due to the absence of conclusive functional and genetic evidence.

NM_015599.3(PGM3):c.463_464delinsAT (p.Gly155Ile)

Gene: PGM3 (phosphoglucomutase 3; minus strand). Cytogenetic location: 6q14.1.
Variant type: Indel.
Coding change: c.463_464delinsAT on transcript NM_015599.3 (MANE Select); coding-DNA positions 463 to 464, GG replaced by AT.
Protein change: p.Gly155Ile; replaces glycine 155 with isoleucine.
Molecular consequence: missense variant. On other transcripts: non-coding transcript variant (1).
Genome position (GRCh38, 1-based): chr6:83,182,972-83,182,973, CC replaced by AT on the plus strand (GG replaced by AT on the coding strand, the reverse complement: PGM3 is on the minus strand). VCF-style: chr6-83182972-CC-AT. GRCh37 (hg19) VCF-style: chr6-83892691-CC-AT.
Other names: c.547_548delinsAT, p.Gly183Ile (NM_001199917.2, NM_001367287.1); c.220_221delinsAT, p.Gly74Ile (NM_001199918.2); c.463_464delinsAT, p.Gly155Ile (NM_001199919.2, NM_001367286.1); short protein forms G155I, G183I, G74I.
Identifiers: ClinVar variation 4994938 (VCV004994938.1).